The following is an entry in ClinVar:

NM_004855.5(PIGB):c.299+1A>G

Gene: PIGB (phosphatidylinositol glycan anchor biosynthesis class B; plus strand). Cytogenetic location: 15q21.3.
Variant type: single nucleotide variant.
Coding change: c.299+1A>G on transcript NM_004855.5 (MANE Select); the canonical splice donor site of the intron after coding-DNA position 299, A replaced by G.
Molecular consequence: splice donor variant.
Genome position (GRCh38, 1-based): chr15:55,320,411, A>G. VCF-style: chr15-55320411-A-G. GRCh37 (hg19) VCF-style: chr15-55612609-A-G.
Identifiers: ClinVar variation 1937941 (VCV001937941.5), dbSNP rs2055136245, ClinGen allele CA392541456.

ClinVar aggregate classification (germline): Uncertain significance (1 of 4 stars; one submission).

Allele frequency attached by ClinVar (database versions not stated): gnomAD 0.00001; TOPMed 0.00001.
gnomAD v4.1: 1 of 1,612,470 alleles (0.000062%); highest among the groups gnomAD compares: African/African-American, 0.0013%; no homozygotes.

Submission:

Labcorp Genetics (formerly Invitae), Labcorp
Classification: Uncertain significance. Last evaluated: 2022-05-20. Review status: criteria provided, single submitter. Criteria: Invitae Variant Classification Sherloc (09022015). Collection method: clinical testing. Allele origin: germline.
Comment: This sequence change falls in intron 2 of the PIGB gene. It does not directly change the encoded amino acid sequence of the PIGB protein. It affects a nucleotide within the consensus splice site. This variant is not present in population databases (gnomAD no frequency). This variant has not been reported in the literature in individuals affected with PIGB-related conditions. Variants that disrupt the consensus splice site are a relatively common cause of aberrant splicing (PMID: 17576681, 9536098). Algorithms developed to predict the effect of sequence changes on RNA splicing suggest that this variant may create or strengthen a splice site. In summary, the available evidence is currently insufficient to determine the role of this variant in disease. Therefore, it has been classified as a Variant of Uncertain Significance.

Literature cited by the submitters: PubMed 17576681; PubMed 9536098.